The following is an entry in ClinVar:

ClinVar aggregate classification (germline): Uncertain significance (1 of 4 stars; one submission).

Conditions:
Intellectual developmental disorder, autosomal dominant 6, with or without seizures. Also called: GRIN2B-related developmental delay, intellectual disability and autism spectrum disorder; Intellectual disability, autosomal dominant 6. Identifiers: Orphanet 589547, MedGen C3151411, MONDO:0013509, OMIM 613970.
Developmental and epileptic encephalopathy, 27 (DEE27). Also called: Epileptic encephalopathy, early infantile, 27; GRIN2B-Related Neurodevelopmental Disorder. Identifiers: Orphanet 3451, MedGen C4015316, MONDO:0014505, OMIM 616139.

Submission:

Labcorp Genetics (formerly Invitae), Labcorp
Classification: Uncertain significance for Developmental and epileptic encephalopathy, 27; Intellectual developmental disorder, autosomal dominant 6, with or without seizures. Last evaluated: 2023-06-07. Review status: criteria provided, single submitter. Criteria: Invitae Variant Classification Sherloc (09022015). Collection method: clinical testing. Allele origin: germline.
Comment: This variant, c.1667_1672dup, results in the insertion of 2 amino acid(s) of the GRIN2B protein (p.Ala556_Asp557dup), but otherwise preserves the integrity of the reading frame. This variant is not present in population databases (gnomAD no frequency). This variant has not been reported in the literature in individuals affected with GRIN2B-related conditions. In summary, the available evidence is currently insufficient to determine the role of this variant in disease. Therefore, it has been classified as a Variant of Uncertain Significance.

NM_000834.5(GRIN2B):c.1667_1672dup (p.Asp557_Val558insAlaAsp)

Gene: GRIN2B (glutamate ionotropic receptor NMDA type subunit 2B; minus strand). Cytogenetic location: 12p13.1.
Variant type: Duplication.
Coding change: c.1667_1672dup on transcript NM_000834.5 (MANE Select); coding-DNA positions 1667 to 1672, 6 bases duplicated (CTGACG; older notation c.1667_1672dupCTGACG).
Protein change: p.Asp557_Val558insAlaAsp.
Molecular consequence: inframe insertion.
Genome position (GRCh38, 1-based): chr12:13,611,833-13,611,838, CGTCAG duplicated on the plus strand (CTGACG on the coding strand, the reverse complement: GRIN2B is on the minus strand); duplicating any 6 consecutive bases within chr12:13,611,833-13,611,840 gives the same sequence; the c. name uses the placement nearest the transcript's 3' end. VCF-style (leftmost placement, unchanged base first): chr12-13611832-A-ACGTCAG. GRCh37 (hg19) VCF-style: chr12-13764766-A-ACGTCAG.
Other names: c.1667_1672dup, p.Asp557_Val558insAlaAsp (NM_001413992.1).
Identifiers: ClinVar variation 2948673 (VCV002948673.3), dbSNP rs2497590544, ClinGen allele CA2740092329.